The following is an entry in ClinVar:

ClinVar aggregate classification (germline): Uncertain significance. Review status: criteria provided, multiple submitters, no conflicts (2 of 4 stars). 2 submissions from 2 submitters: Uncertain significance (2). Last evaluated 2022-02-03.

Conditions:
Dilated cardiomyopathy 1G (CMD1G). Identifiers: Orphanet 154, MedGen C1858763, MONDO:0011400, OMIM 604145.
Autosomal recessive limb-girdle muscular dystrophy type 2J (LGMDR10). Also called: Limb-girdle muscular dystrophy, type 2J; MUSCULAR DYSTROPHY, LIMB-GIRDLE, AUTOSOMAL RECESSIVE 10. Identifiers: Orphanet 140922, MedGen C1837342, MONDO:0012127, OMIM 608807.

Allele frequency attached by ClinVar (database versions not stated): gnomAD exomes below 0.00001; ExAC 0.00001.
gnomAD v4.1: 3 of 1,613,334 alleles (0.00019%); highest among the groups gnomAD compares: Admixed American, 0.0017%; no homozygotes.

Submissions (2):

Mayo Clinic Laboratories, Mayo Clinic
Classification: Uncertain significance. Last evaluated: 2022-02-03. Review status: criteria provided, single submitter. Criteria: ACMG Guidelines, 2015. Collection method: clinical testing. Allele origin: germline. Observed: 1 variant allele.
Comment: PM2_supporting

Labcorp Genetics (formerly Invitae), Labcorp
Classification: Uncertain significance for Dilated cardiomyopathy 1G; Autosomal recessive limb-girdle muscular dystrophy type 2J. Last evaluated: 2017-04-26. Review status: criteria provided, single submitter. Criteria: Invitae Variant Classification Sherloc (09022015). Collection method: clinical testing. Allele origin: germline.

NM_001267550.2(TTN):c.25249C>T (p.Leu8417Phe)

Gene: TTN (titin; minus strand). Cytogenetic location: 2q31.2.
Variant type: single nucleotide variant.
Coding change: c.25249C>T on transcript NM_001267550.2 (MANE Select); coding-DNA position 25249, C replaced by T.
Protein change: p.Leu8417Phe; replaces leucine 8417 with phenylalanine.
Molecular consequence: missense variant. On other transcripts: intron variant (3).
Genome position (GRCh38, 1-based): chr2:178,717,625, G>A on the plus strand (C>T on the coding strand, the complement: TTN is on the minus strand). VCF-style: chr2-178717625-G-A. GRCh37 (hg19) VCF-style: chr2-179582352-G-A.
Other names: p.Leu8100Phe; c.24298C>T, p.Leu8100Phe (NM_001256850.1); c.21517C>T, p.Leu7173Phe (NM_133378.4); c.13282+20457C>T (NM_003319.4); c.13858+20457C>T (NM_133437.4); c.13657+20457C>T (NM_133432.3); short protein forms L8417F, L8100F, L7173F.
Identifiers: ClinVar variation 404835 (VCV000404835.4), dbSNP rs774234445, ClinGen allele CA2000258.